The following is an entry in ClinVar:

NM_017654.4(SAMD9):c.1019C>T (p.Ser340Leu)

Gene: SAMD9 (sterile alpha motif domain containing 9; minus strand). Cytogenetic location: 7q21.2.
Variant type: single nucleotide variant.
Coding change: c.1019C>T on transcript NM_017654.4 (MANE Select); coding-DNA position 1019, C replaced by T.
Protein change: p.Ser340Leu; replaces serine 340 with leucine.
Molecular consequence: missense variant.
Genome position (GRCh38, 1-based): chr7:93,105,079, G>A on the plus strand (C>T on the coding strand, the complement: SAMD9 is on the minus strand). VCF-style: chr7-93105079-G-A. GRCh37 (hg19) VCF-style: chr7-92734392-G-A.
Other names: c.1019C>T, p.Ser340Leu (NM_001193307.2); short protein forms S340L.
Identifiers: ClinVar variation 4629907 (VCV004629907.1).

ClinVar aggregate classification (germline): Uncertain significance (1 of 4 stars; one submission).

Conditions:
Inborn genetic diseases. Identifiers: MedGen C0950123, MeSH D030342.

Submission:

Ambry Genetics
Classification: Uncertain significance for Inborn genetic diseases. Last evaluated: 2025-10-28. Review status: criteria provided, single submitter. Criteria: Ambry Variant Classification Scheme 2023. Collection method: clinical testing. Allele origin: germline.
Comment: The p.S340L variant (also known as c.1019C>T), located in coding exon 1 of the SAMD9 gene, results from a C to T substitution at nucleotide position 1019. The serine at codon 340 is replaced by leucine, an amino acid with dissimilar properties. This amino acid position is conserved. In addition, this alteration is predicted to be tolerated by in silico analysis. Based on the available evidence, the clinical significance of this variant remains unclear.